The following is an entry in ClinVar:

ClinVar aggregate classification (germline): Uncertain significance (1 of 4 stars; one submission).

Conditions:
BBS4-related disorder. Also called: BBS4-related condition.

gnomAD v4.1: 10 of 1,613,894 alleles (0.00062%); highest among the groups gnomAD compares: Non-Finnish European, 0.00085%; no homozygotes.

Submission:

PreventionGenetics, part of Exact Sciences
Classification: Uncertain significance for BBS4-related condition. Last evaluated: 2026-08-05. Review status: criteria provided, single submitter. Criteria: ACMG Guidelines, 2015. Collection method: clinical testing. Allele origin: germline.
Comment: The BBS4 c.164T>C variant is predicted to result in the amino acid substitution p.Ile55Thr. To our knowledge, this variant has not been reported in the literature. This variant is reported in 0.045% of alleles in individuals of European (Non-Finnish) descent in gnomAD. At this time, the clinical significance of this variant is uncertain due to the absence of conclusive functional and genetic evidence.

NM_033028.5(BBS4):c.164T>C (p.Ile55Thr)

Gene: BBS4 (Bardet-Biedl syndrome 4; plus strand). Cytogenetic location: 15q24.1.
Variant type: single nucleotide variant.
Coding change: c.164T>C on transcript NM_033028.5 (MANE Select); coding-DNA position 164, T replaced by C.
Protein change: p.Ile55Thr; replaces isoleucine 55 with threonine.
Molecular consequence: missense variant. On other transcripts: 5 prime UTR variant (1), non-coding transcript variant (2).
Genome position (GRCh38, 1-based): chr15:72,712,251, T>C. VCF-style: chr15-72712251-T-C. GRCh37 (hg19) VCF-style: chr15-73004592-T-C.
Other names: c.-358T>C (NM_001252678.2); c.164T>C, p.Ile55Thr (NM_001320665.2); short protein forms I55T.
Identifiers: ClinVar variation 4982841 (VCV004982841.1).